The following is an entry in ClinVar:

NM_004369.4(COL6A3):c.*606A>T

Gene: COL6A3 (collagen type VI alpha 3 chain; minus strand). Cytogenetic location: 2q37.3.
Variant type: single nucleotide variant.
Coding change: c.*606A>T on transcript NM_004369.4 (MANE Select); 606 bases downstream of the stop codon, A replaced by T.
Molecular consequence: 3 prime UTR variant.
Genome position (GRCh38, 1-based): chr2:237,324,168, T>A on the plus strand (A>T on the coding strand, the complement: COL6A3 is on the minus strand). VCF-style: chr2-237324168-T-A. GRCh37 (hg19) VCF-style: chr2-238232811-T-A.
Other names: c.*606A>T (NM_057166.5, NM_057167.4).
Identifiers: ClinVar variation 335091 (VCV000335091.6), dbSNP rs7436, ClinGen allele CA10613189.

ClinVar aggregate classification (germline): Benign. Review status: criteria provided, multiple submitters, no conflicts (2 of 4 stars). 2 submissions from 2 submitters: Benign (2). Last evaluated 2018-01-13.

Conditions:
Collagen 6-related myopathy. Identifiers: MedGen CN117976, MONDO:0100225.

Allele frequency attached by ClinVar (database versions not stated): gnomAD 0.10548 and 0.10041; TOPMed 0.10754; 1000 Genomes Project 30x 0.15006; gnomAD exomes 0.07292; 1000 Genomes Project 0.15555.
gnomAD v4.1: 16,074 of 152,662 alleles (11%); highest among the groups gnomAD compares: East Asian, 23%; 1,008 homozygotes.

Submissions (2):

Illumina Laboratory Services, Illumina
Classification: Benign for Collagen VI-related myopathy. Last evaluated: 2018-01-13. Review status: criteria provided, single submitter. Criteria: ICSL Variant Classification Criteria 13 December 2019. Collection method: clinical testing. Allele origin: germline.
Comment: This variant was observed in the ICSL laboratory as part of a predisposition screen in an ostensibly healthy population. It had not been previously curated by ICSL or reported in the Human Gene Mutation Database (HGMD: prior to June 1st, 2018), and was therefore a candidate for classification through an automated scoring system. Utilizing variant allele frequency, disease prevalence and penetrance estimates, and inheritance mode, an automated score was calculated to assess if this variant is too frequent to cause the disease. Based on the score and internal cut-off values, a variant classified as benign is not then subjected to further curation. The score for this variant resulted in a classification of benign for this disease.

Breakthrough Genomics
Classification: Benign. Review status: criteria provided, single submitter. Criteria: ACMG Guidelines, 2015. Collection method: not provided. Allele origin: germline. Inheritance: Autosomal recessive inheritance. Affected: yes.